The following is an entry in ClinVar:

ClinVar aggregate classification (germline): Benign/Likely benign. Review status: criteria provided, multiple submitters, no conflicts (2 of 4 stars). 15 submissions from 15 submitters: Benign (4); Likely benign (10). 1 of the submissions does not count toward it. Last evaluated 2026-06-01.

Conditions:
Carcinoma of colon (CRC). Also called: Colonic carcinoma; Colon carcinoma. Identifiers: MedGen C0699790, MONDO:0002032.
Hereditary cancer-predisposing syndrome. Also called: Tumor predisposition; Neoplastic Syndromes, Hereditary; Hereditary Cancer Syndrome; Hereditary neoplastic syndrome. Identifiers: Orphanet 140162, MedGen C0027672, MeSH D009386, MONDO:0015356.
Familial adenomatous polyposis 1 (FAP1). Also called: FAMILIAL ADENOMATOUS POLYPOSIS 1, ATTENUATED; POLYPOSIS, ADENOMATOUS INTESTINAL. Identifiers: MedGen C2713442, MONDO:0021056, OMIM 175100. Disease mechanism: loss of function.

Allele frequency attached by ClinVar (database versions not stated): gnomAD exomes 0.00008 and 0.00009; ExAC 0.00009; gnomAD 0.00009 and 0.00010; TOPMed 0.00009; ESP Exome Variant Server 0.00015.
gnomAD v4.1: 129 of 1,614,100 alleles (0.008%); highest among the groups gnomAD compares: Middle Eastern, 0.049%; 1 homozygote.

Submissions (15):

CeGaT Center for Human Genetics Tuebingen
Classification: Likely benign. Last evaluated: 2026-06-01. Review status: criteria provided, single submitter. Criteria: CeGaT Center For Human Genetics Tuebingen Variant Classification Criteria Version 2. Collection method: clinical testing. Allele origin: germline. Affected: yes. Observed: 3 variant alleles.
Comment: APC: BP4, BP7

Labcorp Genetics (formerly Invitae), Labcorp
Classification: Likely benign for Familial adenomatous polyposis 1. Last evaluated: 2026-02-03. Review status: criteria provided, single submitter. Criteria: Invitae Variant Classification Sherloc (09022015). Collection method: clinical testing. Allele origin: germline.

Quest Diagnostics Nichols Institute San Juan Capistrano
Classification: Likely benign. Last evaluated: 2025-08-29. Review status: criteria provided, single submitter. Criteria: Quest Diagnostics criteria. Collection method: clinical testing. Allele origin: unknown.

Institute for Biomarker Research, Medical Diagnostic Laboratories, L.L.C.
Classification: Likely benign for Hereditary cancer-predisposing syndrome. Last evaluated: 2025-03-05. Review status: criteria provided, single submitter. Criteria: ACMG Guidelines, 2015. Collection method: clinical testing. Allele origin: germline.
Comment: The synonymous variant NM_000038.6(APC):c.3786T>C (p.Tyr1262=) has been reported to ClinVar as Benign/Likely benign with a status of (2 stars) criteria provided, multiple submitters, no conflicts (Variation ID 215562 as of 2025-02-06). The p.Tyr1262= variant is not predicted to disrupt an existing splice site. The p.Tyr1262= variant results in a substitution of a base that is not predicted conserved by GERP++ and PhyloP. For these reasons, this variant has been classified as Likely Benign.

Center for Genomic Medicine, Rigshospitalet, Copenhagen University Hospital
Classification: Likely benign. Last evaluated: 2025-03-04. Review status: criteria provided, single submitter. Criteria: ACMG Guidelines, 2015. Collection method: clinical testing. Allele origin: germline.

Blueprint Genetics
Classification: Likely benign. Last evaluated: 2024-11-20. Review status: criteria provided, single submitter. Criteria: ACMG Guidelines, 2015. Collection method: clinical testing. Allele origin: germline.

Molecular Diagnostics Laboratory, Catalan Institute of Oncology
Classification: Benign for Hereditary cancer-predisposing syndrome. Last evaluated: 2024-09-16. Review status: criteria provided, single submitter. Criteria: ClinGen ACMG Specifications APC V1.0.0. Collection method: clinical testing. Allele origin: germline.
Comment: BS1, BP4, BP7 c.3786T>C located in exon 16 of the APC gene is predicted to result in no amino acid change, p.(Tyr1262=)(BP7). This variant is found in 14/117438, with a filter allele frequency of 0.0072% at 95% confidence in the gnomAD v2.1.1 database (European non-Finnish non-cancer data set)(BS1). The SpliceAI algorithm predicts no significant impact on splicing (BP4). To our knowledge, neither relevant clinical data nor functional studies have been reported for this variant. In addition, the variant was also identified in the ClinVar database (7x likely benign, 4x benign) and in the LOVD (1x likely benign, 1x benign) databases. Based on currently available information, the variant c.3786T>C is classified as a benign variant according to ClinGen-APC Guidelines version 1.

Myriad Genetics, Inc.
Classification: Benign for Familial adenomatous polyposis 1. Last evaluated: 2024-03-22. Review status: criteria provided, single submitter. Criteria: Myriad Autosomal Dominant, Autosomal Recessive and X-Linked Classification Criteria (2023). Collection method: clinical testing. Allele origin: unknown.
Comment: This variant is considered benign. This variant is a silent/synonymous amino acid change and it is not expected to impact splicing.

Sema4
Classification: Likely benign for Hereditary cancer-predisposing syndrome. Last evaluated: 2021-09-04. Review status: criteria provided, single submitter. Criteria: Sema4 Curation Guidelines. Collection method: curation. Allele origin: germline.

Women's Health and Genetics/Laboratory Corporation of America, LabCorp
Classification: Benign. Last evaluated: 2019-01-29. Review status: criteria provided, single submitter. Criteria: LabCorp Variant Classification Summary - May 2015. Collection method: clinical testing. Allele origin: germline.
Comment: Variant summary: APC c.3786T>C alters a non-conserved nucleotide resulting in a synonymous change. 5/5 computational tools predict no significant impact on normal splicing. However, these predictions have yet to be confirmed by functional studies. The variant allele was found at a frequency of 9e-05 in 276270 control chromosomes (gnomAD). The observed variant frequency is approximately 1.27 fold of the estimated maximal expected allele frequency for a pathogenic variant in APC causing Familial Adenomatous Polyposis phenotype (7.1e-05), strongly suggesting that the variant is benign. To our knowledge, no occurrence of c.3786T>C in individuals affected with Familial Adenomatous Polyposis and no experimental evidence demonstrating its impact on protein function have been reported. Four ClinVar submissions from clinical diagnostic laboratories (evaluation after 2014) cites the variant as likely benign/benign. Based on the evidence outlined above, the variant was classified as benign.

Color Diagnostics, LLC DBA Color Health
Classification: Likely benign for Hereditary cancer-predisposing syndrome. Last evaluated: 2016-12-13. Review status: criteria provided, single submitter. Criteria: ACMG Guidelines, 2015. Collection method: clinical testing. Allele origin: germline.

GeneDx
Classification: Benign. Last evaluated: 2015-06-08. Review status: criteria provided, single submitter. Criteria: GeneDx Variant Classification (06012015). Collection method: clinical testing. Allele origin: germline. Affected: yes.
Comment: This variant is considered likely benign or benign based on one or more of the following criteria: it is a conservative change, it occurs at a poorly conserved position in the protein, it is predicted to be benign by multiple in silico algorithms, and/or has population frequency not consistent with disease.

Ambry Genetics
Classification: Likely benign for Hereditary cancer-predisposing syndrome. Last evaluated: 2014-11-19. Review status: criteria provided, single submitter. Criteria: Ambry Variant Classification Scheme 2023. Collection method: clinical testing. Allele origin: germline.

Breakthrough Genomics
Classification: Likely benign. Review status: criteria provided, single submitter. Criteria: ACMG Guidelines, 2015. Collection method: not provided. Allele origin: germline. Inheritance: Autosomal dominant inheritance. Affected: yes.

Department of Pathology and Laboratory Medicine, Sinai Health System
Classification: Likely benign for Carcinoma of colon. Review status: no assertion criteria provided. Collection method: clinical testing. Allele origin: unknown. Affected: yes. Study: The Canadian Open Genetics Repository (COGR). Not counted in ClinVar's aggregate classification.
Comment: The APC p.Tyr1262= variant was not identified in the literature nor was it identified in the GeneInsight-COGR, Cosmic, MutDB, LOVD 3.0, UMD-LSDB or Zhejiang Colon Cancer Database. The variant was identified in dbSNP (ID: rs147411334) â€šÃ„ÃºWith Likely benign alleleâ€šÃ„Ã¹, ClinVar (classified benign by GeneDx, and likely benign by Invitae, Ambry Genetics, Color Genomics Inc. and Quest Diagnostics Nichols Institute San Juan Capistrano), Clinvitae (3x), and in control databases in 25 of 276270 chromosomes at a frequency of 0.00009 increasing the likelihood this could be a low frequency benign variant (Genome Aggregation Database Feb 27, 2017). Breakdown of the observations by population include African in 1 of 24002 chromosomes (freq: 0.00004), Other in 3 of 6446 chromosomes (freq: 0.0005), Latino in 5 of 34372 chromosomes (freq: 0.0001), European Non-Finnish in 14 of 125934 chromosomes (freq: 0.0001), European Finnish in 1 of 25772 chromosomes (freq: 0.00004), and South Asian in 1 of 30756 chromosomes (freq: 0.00003) while not observed in the Ashkenazi Jewish and East Asian populations. The p.Tyr1262= variant is not expected to have clinical significance because it does not result in a change of amino acid and is not located in a known consensus splice site. In addition, in silico or computational prediction software programs (SpliceSiteFinder, MaxEntScan, NNSPLICE, GeneSplicer, HumanSpliceFinder) do not predict a difference in splicing. In summary, based on the above information the clinical significance of this variant cannot be determined with certainty at this time although we would lean towards a more benign role for this variant. This variant is classified as likely benign.

NM_000038.6(APC):c.3786T>C (p.Tyr1262=)

Gene: APC (APC regulator of Wnt signaling pathway; plus strand). Cytogenetic location: 5q22.2.
Variant type: single nucleotide variant.
Coding change: c.3786T>C on transcript NM_000038.6 (MANE Select); coding-DNA position 3786, T replaced by C.
Protein change: p.Tyr1262=; no amino-acid change (tyrosine 1262 retained).
Molecular consequence: synonymous variant.
Genome position (GRCh38, 1-based): chr5:112,839,380, T>C. VCF-style: chr5-112839380-T-C. GRCh37 (hg19) VCF-style: chr5-112175077-T-C.
Other names: c.3786T>C, p.Tyr1262= (NM_001127510.3, NM_001354895.2); c.3732T>C, p.Tyr1244= (NM_001127511.3); c.3840T>C, p.Tyr1280= (NM_001354896.2); c.3816T>C, p.Tyr1272= (NM_001354897.2); c.3711T>C, p.Tyr1237= (NM_001354898.2); c.3702T>C, p.Tyr1234= (NM_001354899.2); c.3663T>C, p.Tyr1221= (NM_001354900.2); c.3609T>C, p.Tyr1203= (NM_001354901.2); and 5 more.
Identifiers: ClinVar variation 215562 (VCV000215562.52), dbSNP rs147411334, ClinGen allele CA036689.